The following is an entry in ClinVar:

NM_002161.6(IARS1):c.1079C>T (p.Thr360Met)

Gene: IARS1 (isoleucyl-tRNA synthetase 1; minus strand). Cytogenetic location: 9q22.31.
Variant type: single nucleotide variant.
Coding change: c.1079C>T on transcript NM_002161.6 (MANE Select); coding-DNA position 1079, C replaced by T.
Protein change: p.Thr360Met; replaces threonine 360 with methionine.
Molecular consequence: missense variant. On other transcripts: non-coding transcript variant (1).
Genome position (GRCh38, 1-based): chr9:92,271,567, G>A on the plus strand (C>T on the coding strand, the complement: IARS1 is on the minus strand). VCF-style: chr9-92271567-G-A. GRCh37 (hg19) VCF-style: chr9-95033849-G-A.
Other names: c.1079C>T, p.Thr360Met (NM_001378584.1, NM_001378585.1, NM_001378586.1 and 14 more transcripts); c.1142C>T, p.Thr381Met (NM_001378569.1); c.1100C>T, p.Thr367Met (NM_001378571.1); c.956C>T, p.Thr319Met (NM_001378583.1); short protein forms T360M, T381M, T319M, T367M.
Identifiers: ClinVar variation 4677458 (VCV004677458.1).

ClinVar aggregate classification (germline): Uncertain significance (1 of 4 stars; one submission).

gnomAD v4.1: 32 of 1,614,062 alleles (0.002%); highest among the groups gnomAD compares: Admixed American, 0.005%; no homozygotes.

Submission:

Ambry Genetics
Classification: Uncertain significance. Last evaluated: 2025-10-24. Review status: criteria provided, single submitter. Criteria: Ambry Variant Classification Scheme 2023. Collection method: clinical testing. Allele origin: germline.
Comment: The c.1079C>T (p.T360M) alteration is located in exon 11 (coding exon 10) of the IARS gene. This alteration results from a C to T substitution at nucleotide position 1079, causing the threonine (T) at amino acid position 360 to be replaced by a methionine (M). Based on data from gnomAD, the T allele has an overall frequency of 0.002% (5/251328) total alleles studied. The highest observed frequency was 0.016% (1/6136) of Other alleles. Based on insufficient or conflicting evidence, the clinical significance of this alteration remains unclear.